The following is an entry in ClinVar:

ClinVar aggregate classification (germline): Uncertain significance (1 of 4 stars; one submission).

Conditions:
ORAI1-related disorder. Also called: ORAI1-related condition.

Allele frequency attached by ClinVar (database versions not stated): gnomAD exomes below 0.00001; gnomAD 0.00001; ExAC 0.00003.

Submission:

PreventionGenetics, part of Exact Sciences
Classification: Uncertain significance for ORAI1-related condition. Last evaluated: 2023-07-03. Review status: criteria provided, single submitter. Criteria: ACMG Guidelines, 2015. Collection method: clinical testing. Allele origin: germline.
Comment: The ORAI1 c.829G>A variant is predicted to result in the amino acid substitution p.Glu277Lys. To our knowledge, this variant has not been reported in the literature. This variant is reported in 0.013% of alleles in individuals of African descent in gnomAD. At this time, the clinical significance of this variant is uncertain due to the absence of conclusive functional and genetic evidence.

NM_032790.4(ORAI1):c.829G>A (p.Ala277Thr)

Gene: ORAI1 (ORAI calcium release-activated calcium modulator 1; plus strand). Cytogenetic location: 12q24.31.
Variant type: single nucleotide variant.
Coding change: c.829G>A on transcript NM_032790.4 (MANE Select); coding-DNA position 829, G replaced by A.
Protein change: p.Ala277Thr; replaces alanine 277 with threonine.
Molecular consequence: missense variant. On other transcripts: non-coding transcript variant (1).
Genome position (GRCh38, 1-based): chr12:121,641,566, G>A. VCF-style: chr12-121641566-G-A. GRCh37 (hg19) VCF-style: chr12-122079472-G-A.
Other names: short protein forms A277T.
Identifiers: ClinVar variation 2637313 (VCV002637313.1), dbSNP rs782293603, ClinGen allele CA6837577.
Genomic context (GRCh38, chr12:121,641,566, plus strand): 5'-TTCTACCGCTCACTGGTTAGCCATAAGACTGACCGACAGTTCCAGGAGCTCAACGAGCTG[G>A]CGGAGTTTGCCCGCTTACAGGACCAGCTGGACCACAGAGGGGACCACCCCCTGACGCCCG-3'
Protein context (NP_116179.2, residues 267-287): DRQFQELNEL[Ala277Thr]EFARLQDQLD